The following is an entry in ClinVar:

NM_013322.3(SNX10):c.263G>A (p.Arg88His)

Gene: SNX10 (sorting nexin 10; plus strand). Cytogenetic location: 7p15.2.
Variant type: single nucleotide variant.
Coding change: c.263G>A on transcript NM_013322.3 (MANE Select); coding-DNA position 263, G replaced by A.
Protein change: p.Arg88His; replaces arginine 88 with histidine.
Molecular consequence: missense variant.
Genome position (GRCh38, 1-based): chr7:26,365,097, G>A. VCF-style: chr7-26365097-G-A. GRCh37 (hg19) VCF-style: chr7-26404717-G-A.
Other names: c.263G>A, p.Arg88His (NM_001199835.1, NM_001318199.3); c.254G>A, p.Arg85His (NM_001199837.3); c.11G>A, p.Arg4His (NM_001199838.2); c.341G>A, p.Arg114His (NM_001318198.1, NM_001362753.1, NM_001362754.1); short protein forms R4H, R85H, R88H, R114H.
Identifiers: ClinVar variation 2878270 (VCV002878270.1), dbSNP rs764873244, ClinGen allele CA4195219.
Genomic context (GRCh38, chr7:26,365,097, plus strand): 5'-TTCTCCTAAGACAACTGCCAGAACTTCCATCTAAAAACCTGTTTTTCAACATGAACAATC[G>A]CCAGCACGTGGATCAGCGTCGCCAGGGTCTGGAAGATTTCCTCAGAAAGTGAGTGTCCAG-3'
Protein context (NP_037454.2, residues 78-98): SKNLFFNMNN[Arg88His]QHVDQRRQGL

ClinVar aggregate classification (germline): Uncertain significance (1 of 4 stars; one submission).

Allele frequency attached by ClinVar (database versions not stated): gnomAD 0.00001; TOPMed 0.00001; ExAC 0.00002.

Submission:

Labcorp Genetics (formerly Invitae), Labcorp
Classification: Uncertain significance. Last evaluated: 2023-12-07. Review status: criteria provided, single submitter. Criteria: Invitae Variant Classification Sherloc (09022015). Collection method: clinical testing. Allele origin: germline.
Comment: This sequence change replaces arginine, which is basic and polar, with histidine, which is basic and polar, at codon 88 of the SNX10 protein (p.Arg88His). This variant is present in population databases (rs764873244, gnomAD 0.006%). This variant has not been reported in the literature in individuals affected with SNX10-related conditions. An algorithm developed to predict the effect of missense changes on protein structure and function (PolyPhen-2) suggests that this variant¬†is likely to be tolerated. In summary, the available evidence is currently insufficient to determine the role of this variant in disease. Therefore, it has been classified as a Variant of Uncertain Significance.